The following is an entry in ClinVar:

ClinVar aggregate classification (germline): Conflicting classifications of pathogenicity. Review status: criteria provided, conflicting classifications (1 of 4 stars). 7 submissions from 7 submitters: Likely pathogenic (1); Uncertain significance (3); Likely benign (2). 1 of the submissions does not count toward it. Last evaluated 2026-09-15.

Conditions:
STRC-related disorder. Also called: STRC-related condition.
Autosomal recessive nonsyndromic hearing loss 16. Also called: DEAFNESS, AUTOSOMAL RECESSIVE 16; DFNB16 Nonsyndromic Hearing Loss and Deafness. Identifiers: Orphanet 90636, MedGen C1863561, MONDO:0011364, OMIM 603720.

Allele frequency attached by ClinVar (database versions not stated): 1000 Genomes Project 0.00080; ExAC 0.00108; gnomAD exomes 0.00118 and 0.00185; gnomAD 0.00172 and 0.00174.
gnomAD v4.1: 2,950 of 1,606,082 alleles (0.18%); highest among the groups gnomAD compares: Non-Finnish European, 0.22%; 29 homozygotes.

Submissions (7):

PreventionGenetics, part of Exact Sciences
Classification: Uncertain significance for STRC-related condition. Last evaluated: 2026-09-15. Review status: criteria provided, single submitter. Criteria: ACMG Guidelines, 2015. Collection method: clinical testing. Allele origin: germline.
Comment: The STRC c.4918C>T variant is predicted to result in the amino acid substitution p.Leu1640Phe. This variant in exon 26 of the STRC gene corresponds to a known STRCP1 pseudogene variant. This variant has been reported in four patients with hearing loss in trans to a STRC full gene deletion, and was confirmed using an assay that excludes the STRCP1 pseudogene in two of these patients (Vona et al. 2015. PubMed ID: 26011646; described as c.4917_4918delinsCT, Mandelker et al. 2014. PubMed ID: 25157971; Table S2, Shearer et al. 2014. PubMed ID: 24963352; Corriols-Noval et al. 2022. PubMed ID: 36190904). This variant is reported as a multi-nucleotide variant in 0.20% of alleles in individuals of European (Non-Finnish) descent in gnomAD v2, including five homozygotes and twenty nine homozygotes in gnomAD v4 (available only on GRCh38), which may be too high for pathogenic variant. However, NGS based population database allele frequencies may not be accurate at this locus due to paralogy. This variant is listed in ClinVar with conflicting interpretations of likely pathogenic, uncertain and likely benign (Variation ID: 417924). Although we suspect this variant may be benign, at this time, the clinical significance of this variant is uncertain due to the absence of conclusive functional and genetic evidence.

CeGaT Center for Human Genetics Tuebingen
Classification: Likely benign. Last evaluated: 2026-01-01. Review status: criteria provided, single submitter. Criteria: CeGaT Center For Human Genetics Tuebingen Variant Classification Criteria Version 2. Collection method: clinical testing. Allele origin: germline. Affected: yes. Observed: 5 variant alleles.
Comment: STRC: BS1:Supporting, BS2

Victorian Clinical Genetics Services, Murdoch Childrens Research Institute
Classification: Uncertain significance for Autosomal recessive nonsyndromic hearing loss 16. Last evaluated: 2024-10-10. Review status: criteria provided, single submitter. Criteria: ACMG Guidelines, 2015. Collection method: clinical testing. Allele origin: germline. Inheritance: Autosomal recessive inheritance. Affected: yes.
Comment: Based on the classification scheme VCGS_Germline_v1.3.5, this variant is classified as VUS-3B. Following criteria are met: 0102 - Loss of function is a known mechanism of disease in this gene and is associated with deafness, autosomal recessive 16 (MIM#603720). (I) 0106 - This gene is associated with autosomal recessive disease. (I) 0200 - Variant is predicted to result in a missense amino acid change from leucine to phenylalanine. (I) 0251 - This variant is heterozygous. (I) 0304 - Variant is present in gnomAD <0.01 for a recessive condition (v4; 2892 heterozygotes, 29 homozygotes). (SP) 0309 - An alternative amino acid change at the same position has been observed in gnomAD (v4; 5 heterozygotes, 0 homozygotes). (I) 0504 - Same amino acid change has been observed in placental mammals. (SB) 0604 - Variant is not located in an established domain, motif, hotspot or informative constraint region. (I) 0710 - Another missense variant comparable to the one identified in this case has inconclusive previous evidence for pathogenicity. p.Leu1640Arg has been classified as a variant of uncertain significance by a clinical laboratory (ClinVar). (I) 0808 - Previous reports of pathogenicity for this variant are conflicting. It has been classified as a variant of uncertain significance and likely benign by clinical laboratories (ClinVar). (I) 1208 - Inheritance information for this variant is not currently available in this individual. (I) Legend: (SP) - Supporting pathogenic, (I) - Information, (SB) - Supporting benign

King Laboratory, University of Washington
Classification: Likely pathogenic for Autosomal recessive nonsyndromic hearing loss 16. Last evaluated: 2023-02-28. Review status: criteria provided, single submitter. Criteria: Li et al. (Genet Med. 2022). Collection method: research. Allele origin: unknown. Affected: yes.
Comment: This variant is a missense at a highly conserved site and is predicted to be damaging by multiple in-silico tools. As of January 2023, this variant has been reported to ClinVar with conflicting interpretations and is found in 331 heterozygotes and 5 homozygotes on gnomAD. Based on homozygosity, consistently predicted functional effect, and goodness of fit of genotype to phenotype, we conclude that this variant is likely pathogenic.

Athena Diagnostics
Classification: Likely benign. Last evaluated: 2019-06-27. Review status: criteria provided, single submitter. Criteria: Athena Diagnostics Criteria. Collection method: clinical testing. Allele origin: germline.

ARUP Laboratories, Molecular Genetics and Genomics, ARUP Laboratories
Classification: Uncertain significance. Last evaluated: 2017-08-04. Review status: criteria provided, single submitter. Criteria: ARUP Molecular Germline Variant Investigation Process. Collection method: clinical testing. Allele origin: germline.
Comment: The p.Leu1640Phe variant (rs727503441) has previously been associated with congenital moderate hearing loss in several patients who also carried heterozygous deletions of STRC (Mandelker 2014 and Vona 2015). It has also been reported to ClinVar with the classification of uncertain significance. The c.4917_4918delinsCT variant is listed in the Genome Aggregation Database (gnomAD) browser as two separate variants, c.4917A>C and c.4918C>T (rs2860666 and rs2920791), but viewable data on the gnomAD website indicate that both variants are inherited together and have an overall population frequency of 0.118 percent (identified on 289 out of 245,896 chromosomes, including 5 homozygotes). Individuals with hearing loss are not explicitly excluded from the gnomAD data set; therefore, the hearing ability of the 5 homozygous individuals in gnomAD is unknown. The leucine at position 1640 is moderately conserved (considering 11 species) (Alamut v.2.8.1) and computational analyses predict conflicting effects of this variant on protein structure/function (SIFT: tolerated, MutationTaster: disease causing, PolyPhen-2: possibly damaging).

Division of Human Genetics, Children's Hospital of Philadelphia
Classification: Uncertain significance for Autosomal recessive nonsyndromic hearing loss 16. Last evaluated: 2015-04-07. Review status: no assertion criteria provided. Collection method: research. Allele origin: maternal. Affected: yes. Study: CSER-PediSeq. Not counted in ClinVar's aggregate classification.

Literature cited by the submitters: PubMed 36633841 (cited by King Laboratory, University of Washington); PubMed 26011646 (cited by Athena Diagnostics); PubMed 22147502 (cited by Athena Diagnostics); PubMed 25157971 (cited by Athena Diagnostics).

NM_153700.2(STRC):c.4918C>T (p.Leu1640Phe)

Gene: STRC (stereocilin; minus strand). Cytogenetic location: 15q15.3.
Variant type: single nucleotide variant.
Coding change: c.4918C>T on transcript NM_153700.2 (MANE Select); coding-DNA position 4918, C replaced by T.
Protein change: p.Leu1640Phe; replaces leucine 1640 with phenylalanine.
Molecular consequence: missense variant.
Genome position (GRCh38, 1-based): chr15:43,600,609, G>A on the plus strand (C>T on the coding strand, the complement: STRC is on the minus strand). VCF-style: chr15-43600609-G-A. GRCh37 (hg19) VCF-style: chr15-43892807-G-A.
Other names: short protein forms L1640F.
Identifiers: ClinVar variation 417924 (VCV000417924.52), dbSNP rs2920791, ClinGen allele CA7527839.